The following is an entry in ClinVar:

ClinVar aggregate classification (germline): Likely benign (1 of 4 stars; one submission).

Conditions:
PDE2A-related disorder. Also called: PDE2A-related condition.

Submission:

PreventionGenetics, part of Exact Sciences
Classification: Likely benign for PDE2A-related condition. Last evaluated: 2026-01-13. Review status: criteria provided, single submitter. Criteria: ACMG Guidelines, 2015. Collection method: clinical testing. Allele origin: germline.
Comment: This variant is classified as likely benign based on ACMG/AMP sequence variant interpretation guidelines (Richards et al. 2015 PMID: 25741868, with internal and published modifications).

NM_002599.5(PDE2A):c.71+5810G>A

Genes: PDE2A (phosphodiesterase 2A; minus strand), PDE2A-AS1 (PDE2A antisense RNA 1; plus strand). Cytogenetic location: 11q13.4.
Variant type: single nucleotide variant.
Coding change: c.71+5810G>A on transcript NM_002599.5 (MANE Select); 5810 bases into the intron after coding-DNA position 71, G replaced by A.
Molecular consequence: intron variant. On other transcripts: synonymous variant (1).
Genome position (GRCh38, 1-based): chr11:72,668,327, C>T on the plus strand (G>A on the coding strand, the complement: PDE2A is on the minus strand). VCF-style: chr11-72668327-C-T. GRCh37 (hg19) VCF-style: chr11-72379371-C-T.
Other names: c.15G>A, p.Arg5= (NM_001146209.3).
Identifiers: ClinVar variation 4994265 (VCV004994265.1).